The following is an entry in ClinVar:

ClinVar aggregate classification (germline): Uncertain significance. Review status: criteria provided, multiple submitters, no conflicts (2 of 4 stars). 2 submissions from 2 submitters: Uncertain significance (2). Last evaluated 2025-05-18.

Conditions:
Hereditary cancer-predisposing syndrome. Also called: Hereditary neoplastic syndrome; Neoplastic Syndromes, Hereditary; Tumor predisposition; Hereditary Cancer Syndrome. Identifiers: Orphanet 140162, MedGen C0027672, MeSH D009386, MONDO:0015356.

Allele frequency attached by ClinVar (database versions not stated): gnomAD exomes below 0.00001; ExAC 0.00001.
gnomAD v4.1: 9 of 1,609,532 alleles (0.00056%); highest among the groups gnomAD compares: Non-Finnish European, 0.00051%; no homozygotes.

Submissions (2):

Ambry Genetics
Classification: Uncertain significance for Hereditary cancer-predisposing syndrome. Last evaluated: 2025-05-18. Review status: criteria provided, single submitter. Criteria: Ambry Variant Classification Scheme 2023. Collection method: clinical testing. Allele origin: germline.
Comment: The p.I186F variant (also known as c.556A>T), located in coding exon 5 of the RAD50 gene, results from an A to T substitution at nucleotide position 556. The isoleucine at codon 186 is replaced by phenylalanine, an amino acid with highly similar properties. This variant was not reported in population based cohorts in the following databases: Database of Single Nucleotide Polymorphisms (dbSNP), NHLBI Exome Sequencing Project (ESP), and 1000 Genomes Project. In the ESP, this variant was not observed in 6500 samples (13000 alleles) with coverage at this position. To date, this alteration has been detected with an allele frequency of approximately 0.001% (greater than 175000 alleles tested) in our clinical cohort. Based on protein sequence alignment, this amino acid position is highly conserved in available vertebrate species. In addition, the in silico prediction for this alteration is inconclusive. Since supporting evidence is limited at this time, the clinical significance of p.I186F remains unclear.

Labcorp Genetics (formerly Invitae), Labcorp
Classification: Uncertain significance for Hereditary cancer-predisposing syndrome. Last evaluated: 2024-06-10. Review status: criteria provided, single submitter. Criteria: Invitae Variant Classification Sherloc (09022015). Collection method: clinical testing. Allele origin: germline.
Comment: This sequence change replaces isoleucine, which is neutral and non-polar, with phenylalanine, which is neutral and non-polar, at codon 186 of the RAD50 protein (p.Ile186Phe). This variant is not present in population databases (gnomAD no frequency). This variant has not been reported in the literature in individuals affected with RAD50-related conditions. ClinVar contains an entry for this variant (Variation ID: 185942). Advanced modeling of protein sequence and biophysical properties (such as structural, functional, and spatial information, amino acid conservation, physicochemical variation, residue mobility, and thermodynamic stability) performed at Invitae indicates that this missense variant is expected to disrupt RAD50 protein function with a positive predictive value of 80%. In summary, the available evidence is currently insufficient to determine the role of this variant in disease. Therefore, it has been classified as a Variant of Uncertain Significance.

NM_005732.4(RAD50):c.556A>T (p.Ile186Phe)

Gene: RAD50 (RAD50 double strand break repair protein; plus strand). Cytogenetic location: 5q31.1.
Variant type: single nucleotide variant.
Coding change: c.556A>T on transcript NM_005732.4 (MANE Select); coding-DNA position 556, A replaced by T.
Protein change: p.Ile186Phe; replaces isoleucine 186 with phenylalanine.
Molecular consequence: missense variant.
Genome position (GRCh38, 1-based): chr5:132,579,866, A>T. VCF-style: chr5-132579866-A-T. GRCh37 (hg19) VCF-style: chr5-131915558-A-T.
Other names: short protein forms I186F.
Identifiers: ClinVar variation 185942 (VCV000185942.12), dbSNP rs777863000, ClinGen allele CA333889.